The following is an entry in ClinVar:

NM_016580.4(PCDH12):c.1590C>G (p.Gly530=)

Genes: PCDH12 (protocadherin 12; minus strand), RNF14 (ring finger protein 14; plus strand). Cytogenetic location: 5q31.3.
Variant type: single nucleotide variant.
Coding change: c.1590C>G on transcript NM_016580.4 (MANE Select); coding-DNA position 1590, C replaced by G.
Protein change: p.Gly530=; no amino-acid change (glycine 530 retained).
Molecular consequence: synonymous variant.
Genome position (GRCh38, 1-based): chr5:141,956,262, G>C on the plus strand (C>G on the coding strand, the complement: PCDH12 is on the minus strand). VCF-style: chr5-141956262-G-C. GRCh37 (hg19) VCF-style: chr5-141335827-G-C.
Identifiers: ClinVar variation 3032175 (VCV003032175.2), dbSNP rs150674592, ClinGen allele CA3484378.
Genomic context (GRCh38, chr5:141,956,262, plus strand): 5'-AGAGACACTGGATGCAAGCATGGGTTGCCCGCTGTCCTCTGCGATCACCTGGAACTCAAA[G>C]CCGGCCATCTCTTCATAGTTCAGTGACCTCTGAGCAGTGACCTCTCCTGTGTTGGAGTCA-3'
Protein context (NP_057664.1, residues 520-540): QRSLNYEEMA[Gly530=]FEFQVIAEDS

ClinVar aggregate classification (germline): Likely benign (0 of 4 stars; one submission).

Conditions:
PCDH12-related disorder. Also called: PCDH12-related condition.

Allele frequency attached by ClinVar (database versions not stated): ExAC 0.00001; gnomAD exomes 0.00001; ESP Exome Variant Server 0.00008.
gnomAD v4.1: 20 of 1,614,232 alleles (0.0012%); highest among the groups gnomAD compares: South Asian, 0.02%; no homozygotes.

Submission:

PreventionGenetics, part of Exact Sciences
Classification: Likely benign for PCDH12-related condition. Last evaluated: 2022-12-01. Review status: no assertion criteria provided. Collection method: clinical testing. Allele origin: germline.
Comment: This variant is classified as likely benign based on ACMG/AMP sequence variant interpretation guidelines (Richards et al. 2015 PMID: 25741868, with internal and published modifications).